The following is an entry in ClinVar:

ClinVar aggregate classification (germline): Pathogenic. Review status: reviewed by expert panel (3 of 4 stars). 4 submissions from 4 submitters: Pathogenic (1). 3 of the submissions do not count toward it. Last evaluated 2016-09-08.

Conditions:
Hereditary cancer-predisposing syndrome. Also called: Hereditary Cancer Syndrome; Neoplastic Syndromes, Hereditary; Tumor predisposition; Hereditary neoplastic syndrome. Identifiers: Orphanet 140162, MedGen C0027672, MeSH D009386, MONDO:0015356.
Hereditary breast ovarian cancer syndrome. Also called: Hereditary breast and ovarian cancer; Hereditary breast and ovarian cancer syndrome; Breast and ovarian cancer; Hereditary breast and ovarian cancer syndrome (HBOC); Hereditary breast and/or ovarian cancer syndrome; BRCA1- and BRCA2-Associated Hereditary Breast and Ovarian Cancer. Identifiers: Orphanet 145, MedGen C0677776, MeSH D061325, MONDO:0003582. Disease mechanism: loss of function.
Breast-ovarian cancer, familial, susceptibility to, 2 (BROVCA2). Also called: BRCA2 Hereditary Breast and Ovarian Cancer. Identifiers: Orphanet 145, MedGen C2675520, MONDO:0012933, OMIM 612555. Disease mechanism: loss of function.

Submissions (4):

Evidence-based Network for the Interpretation of Germline Mutant Alleles (ENIGMA)
Classification: Pathogenic for Breast-ovarian cancer, familial, susceptibility to, 2. Last evaluated: 2016-09-08. Review status: reviewed by expert panel. Criteria: ENIGMA BRCA1/2 Classification Criteria (2015). Collection method: curation. Allele origin: germline.
Comment: Variant allele predicted to encode a truncated non-functional protein.

Quest Diagnostics Nichols Institute San Juan Capistrano
Classification: Pathogenic. Last evaluated: 2024-12-20. Review status: criteria provided, single submitter. Criteria: Quest Diagnostics criteria. Collection method: clinical testing. Allele origin: unknown. Not counted in ClinVar's aggregate classification.
Comment: The BRCA2 c.9262del (p.Ala3088Profs*16) variant alters the translational reading frame of the BRCA2 mRNA and causes the premature termination of BRCA2 protein synthesis. This variant has been reported in the published literature in an individual with breast and ovarian cancer (PMID: 20859677 (2010)). This variant has not been reported in large, multi-ethnic general populations (Genome Aggregation Database). Based on the available information, this variant is classified as pathogenic.

Labcorp Genetics (formerly Invitae), Labcorp
Classification: Pathogenic for Hereditary breast ovarian cancer syndrome. Last evaluated: 2021-05-02. Review status: criteria provided, single submitter. Criteria: Invitae Variant Classification Sherloc (09022015). Collection method: clinical testing. Allele origin: germline. Not counted in ClinVar's aggregate classification.
Comment: This variant is not present in population databases (ExAC no frequency). This sequence change creates a premature translational stop signal (p.Ala3088Profs*16) in the BRCA2 gene. It is expected to result in an absent or disrupted protein product. Loss-of-function variants in BRCA2 are known to be pathogenic (PMID: 20104584). For these reasons, this variant has been classified as Pathogenic. This variant has been observed in individual(s) with breast and/or ovarian cancer (PMID: 20859677). ClinVar contains an entry for this variant (Variation ID: 187585).

Ambry Genetics
Classification: Pathogenic for Hereditary cancer-predisposing syndrome. Last evaluated: 2014-12-18. Review status: criteria provided, single submitter. Criteria: Ambry Variant Classification Scheme 2023. Collection method: clinical testing. Allele origin: germline. Not counted in ClinVar's aggregate classification.
Comment: The c.9262delG pathogenic mutation (also known as 9490delG), located in coding exon 24 of the BRCA2 gene, results from a deletion of one nucleotide at position 9262, causing a translational frameshift with a predicted alternate stop codon. In addition to the clinical data presented in the literature, since frameshifts are typically deleterious in nature, this alteration is interpreted as a disease-causing mutation (ACMG Recommendations for Standards for Interpretation and Reporting of Sequence Variations. Revision 2007. Genet Med. 2008;10:294).

Literature cited by the submitters: PubMed 20859677 (cited by 3 submitters); PubMed 37461096 (cited by Quest Diagnostics Nichols Institute San Juan Capistrano); PubMed 20104584 (cited by Labcorp Genetics (formerly Invitae), Labcorp).

NM_000059.4(BRCA2):c.9262del (p.Ala3088fs)

Gene: BRCA2 (BRCA2 DNA repair associated; plus strand). Cytogenetic location: 13q13.1.
Variant type: Deletion.
Coding change: c.9262del on transcript NM_000059.4 (MANE Select); coding-DNA position 9262, one base deleted (G; older notation c.9262delG).
Protein change: p.Ala3088fs; shifts the reading frame from alanine 3088.
Molecular consequence: frameshift variant.
Genome position (GRCh38, 1-based): chr13:32,394,694, G deleted. VCF-style (leftmost placement, unchanged base first): chr13-32394693-TG-T. GRCh37 (hg19) VCF-style: chr13-32968830-TG-T.
Other names: c.9262delG (NM_000059.3); c.9262del (NM_000059.3); short protein forms A3088fs.
Identifiers: ClinVar variation 187585 (VCV000187585.17), dbSNP rs786203843, ClinGen allele CA026071.